The following is an entry in ClinVar:

NM_174936.4(PCSK9):c.523G>A (p.Asp175Asn)

Gene: PCSK9 (proprotein convertase subtilisin/kexin type 9; plus strand). Cytogenetic location: 1p32.3.
Variant type: single nucleotide variant.
Coding change: c.523G>A on transcript NM_174936.4 (MANE Select); coding-DNA position 523, G replaced by A.
Protein change: p.Asp175Asn; replaces aspartic acid 175 with asparagine.
Molecular consequence: missense variant.
Genome position (GRCh38, 1-based): chr1:55,046,646, G>A. VCF-style: chr1-55046646-G-A. GRCh37 (hg19) VCF-style: chr1-55512319-G-A.
Other names: short protein forms D175N.
Identifiers: ClinVar variation 923946 (VCV000923946.6), dbSNP rs150898485, ClinGen allele CA042856.

ClinVar aggregate classification (germline): Conflicting classifications of pathogenicity. Review status: criteria provided, conflicting classifications (1 of 4 stars). 3 submissions from 3 submitters: Uncertain significance (1); Likely benign (2). Last evaluated 2024-09-04.

Conditions:
Familial hypercholesterolemia. Also called: Familial hypercholesterolemias; Familial hypercholesterolaemia. Identifiers: MedGen C0020445, MONDO:0005439.
Hypercholesterolemia, familial, 1. Also called: LDL RECEPTOR DISORDER; Hyperlipoproteinemia Type IIa; HYPER-LOW-DENSITY-LIPOPROTEINEMIA; HYPERCHOLESTEROLEMIC XANTHOMATOSIS, FAMILIAL; Fredrickson type IIa hyperlipoproteinemia; Hyperlipoproteinemia type 2. Identifiers: Orphanet 391665, MedGen C0745103, MONDO:0007750, OMIM 143890.
Hypercholesterolemia, autosomal dominant, 3 (FHCL3). Also called: Familial hypercholesterolemia 3; Familial Hypercholesterolemia, Autosomal Dominant, 3; PCSK9-Related Familial Hypercholesterolemia, Autosomal Dominant. Identifiers: MedGen C1863551, MONDO:0011369, OMIM 603776.

Allele frequency attached by ClinVar (database versions not stated): gnomAD exomes 0.00001; ExAC 0.00003; ESP Exome Variant Server 0.00008.

Submissions (3):

Color Diagnostics, LLC DBA Color Health
Classification: Likely benign for Familial hypercholesterolemia. Last evaluated: 2024-09-04. Review status: criteria provided, single submitter. Criteria: ACMG Guidelines, 2015. Collection method: clinical testing. Allele origin: germline.

All of Us Research Program, National Institutes of Health
Classification: Likely benign for Hypercholesterolemia, autosomal dominant, 3. Last evaluated: 2023-03-23. Review status: criteria provided, single submitter. Criteria: ACMG Guidelines, 2015. Collection method: clinical testing. Allele origin: germline. Inheritance: Autosomal dominant inheritance. Observed: 1 variant allele, 1 heterozygote.
Comment: This study involves interpretation of variants in research participants for the purpose of population health screening. Participant phenotype was not available at the time of variant classification. Additional details can be found in publication PMID: 35346344, PMCID: PMC8962531

Molecular Diagnostic Laboratory for Inherited Cardiovascular Disease, Montreal Heart Institute
Classification: Uncertain significance for Hypercholesterolemia, familial, 1. Last evaluated: 2019-12-16. Review status: criteria provided, single submitter. Criteria: ACMG Guidelines, 2015. Collection method: clinical testing. Allele origin: germline. Affected: yes.